The following is an entry in ClinVar:

ClinVar aggregate classification (germline): Uncertain significance (1 of 4 stars; one submission).

Conditions:
Brugada syndrome. Also called: Sudden unexpected nocturnal death syndrome; Sudden unexplained nocturnal death syndrome; Sudden Unexplained Death Syndrome; Sudden Unexplained Nocturnal Death Syndrome (SUNDS). Identifiers: Orphanet 130, MedGen C1142166, MONDO:0015263.

Allele frequency attached by ClinVar (database versions not stated): gnomAD exomes below 0.00001.
gnomAD v4.1: 1 of 1,613,126 alleles (0.000062%); highest among the groups gnomAD compares: Non-Finnish European, 0.000085%; no homozygotes.

Submission:

Labcorp Genetics (formerly Invitae), Labcorp
Classification: Uncertain significance for Brugada syndrome. Last evaluated: 2022-06-16. Review status: criteria provided, single submitter. Criteria: Invitae Variant Classification Sherloc (09022015). Collection method: clinical testing. Allele origin: germline.
Comment: This variant has not been reported in the literature in individuals affected with SCN10A-related conditions. In summary, the available evidence is currently insufficient to determine the role of this variant in disease. Therefore, it has been classified as a Variant of Uncertain Significance. Variants that disrupt the consensus splice site are a relatively common cause of aberrant splicing (PMID: 17576681, 9536098). Algorithms developed to predict the effect of sequence changes on RNA splicing suggest that this variant may disrupt the consensus splice site. This variant is not present in population databases (gnomAD no frequency). This sequence change falls in intron 21 of the SCN10A gene. It does not directly change the encoded amino acid sequence of the SCN10A protein. It affects a nucleotide within the consensus splice site.

Literature cited by the submitters: PubMed 17576681; PubMed 9536098.

NM_006514.4(SCN10A):c.3804+3A>C

Gene: SCN10A (sodium voltage-gated channel alpha subunit 10; minus strand). Cytogenetic location: 3p22.2.
Variant type: single nucleotide variant.
Coding change: c.3804+3A>C on transcript NM_006514.4 (MANE Select); 3 bases into the intron after coding-DNA position 3804, A replaced by C.
Molecular consequence: intron variant.
Genome position (GRCh38, 1-based): chr3:38,713,955, T>G on the plus strand (A>C on the coding strand, the complement: SCN10A is on the minus strand). VCF-style: chr3-38713955-T-G. GRCh37 (hg19) VCF-style: chr3-38755446-T-G.
Other names: c.3510+3A>C (NM_001293307.2); c.3801+3A>C (NM_001293306.2).
Identifiers: ClinVar variation 1898697 (VCV001898697.5), dbSNP rs2470609795, ClinGen allele CA2580069772.
Genomic context (GRCh38, chr3:38,713,955, plus strand): 5'-TGGGATTACAGGCATGAACCACCGTGCCTGGCCAGATGAGAGAAGTTTTGAGATCAGACT[T>G]ACCCGCATGCCTTCAAATCGAGAAAGAGCCCGCAGTGGCCGCAGAGCGCGAAGGGTTCGA-3'